The following is an entry in ClinVar:

ClinVar aggregate classification (germline): Pathogenic (1 of 4 stars; one submission).

Conditions:
Cardiovascular phenotype. Identifiers: MedGen CN230736.
Hereditary cancer-predisposing syndrome. Also called: Tumor predisposition; Hereditary Cancer Syndrome; Neoplastic Syndromes, Hereditary; Hereditary neoplastic syndrome. Identifiers: Orphanet 140162, MedGen C0027672, MeSH D009386, MONDO:0015356.

Submission:

Ambry Genetics
Classification: Pathogenic for Cardiovascular phenotype; Hereditary cancer-predisposing syndrome. Last evaluated: 2019-09-29. Review status: criteria provided, single submitter. Criteria: Ambry Variant Classification Scheme 2023. Collection method: clinical testing. Allele origin: germline.
Comment: The c.2621_2634dup14 pathogenic mutation, located in coding exon 21 of the NF1 gene, results from a duplication of AGGGTTCTATGATT at nucleotide position 2621, causing a translational frameshift with a predicted alternate stop codon (p.S879Rfs*4). In addition to the clinical data presented in the literature, this alteration is expected to result in loss of function by premature protein truncation or nonsense-mediated mRNA decay. As such, this alteration is interpreted as a disease-causing mutation.

NM_001042492.3(NF1):c.2621_2634dup (p.Ser879delinsArgValLeuTer)

Gene: NF1 (neurofibromin 1; plus strand). Cytogenetic location: 17q11.2.
Variant type: Duplication.
Coding change: c.2621_2634dup on transcript NM_001042492.3 (MANE Select); coding-DNA positions 2621 to 2634, 14 bases duplicated (AGGGTTCTATGATT).
Protein change: p.Ser879delinsArgValLeuTer.
Molecular consequence: nonsense. On other transcripts: frameshift variant (1).
Genome position (GRCh38, 1-based): chr17:31,229,236-31,229,249, AGGGTTCTATGATT duplicated. VCF-style (leftmost placement, unchanged base first): chr17-31229235-A-AAGGGTTCTATGATT. GRCh37 (hg19) VCF-style: chr17-29556253-A-AAGGGTTCTATGATT.
Other names: c.2621_2634dupAGGGTTCTATGATT (NM_000267.3); c.2621_2634dup, p.Ser879Argfs (NM_000267.4).
Identifiers: ClinVar variation 821585 (VCV000821585.4), dbSNP rs1597715490, ClinGen allele CA915949796.